The following is an entry in ClinVar:

NM_001369.3(DNAH5):c.5710T>C (p.Cys1904Arg)

Gene: DNAH5 (dynein axonemal heavy chain 5; minus strand). Cytogenetic location: 5p15.2.
Variant type: single nucleotide variant.
Coding change: c.5710T>C on transcript NM_001369.3 (MANE Select); coding-DNA position 5710, T replaced by C.
Protein change: p.Cys1904Arg; replaces cysteine 1904 with arginine.
Molecular consequence: missense variant.
Genome position (GRCh38, 1-based): chr5:13,839,528, A>G on the plus strand (T>C on the coding strand, the complement: DNAH5 is on the minus strand). VCF-style: chr5-13839528-A-G. GRCh37 (hg19) VCF-style: chr5-13839637-A-G.
Other names: c.5710T>C (NM_001369.2); short protein forms C1904R.
Identifiers: ClinVar variation 1962431 (VCV001962431.4), dbSNP rs534290750, ClinGen allele CA3203584.

ClinVar aggregate classification (germline): Uncertain significance. Review status: criteria provided, single submitter (1 of 4 stars). 2 submissions from 2 submitters: Uncertain significance (1). 1 of the submissions does not count toward it. Last evaluated 2022-07-05.

Conditions:
DNAH5-related disorder. Also called: DNAH5-related condition.
Primary ciliary dyskinesia. Also called: Ciliary dyskinesia. Identifiers: Orphanet 244, MedGen C0008780, MONDO:0016575, HP:0012265.

Allele frequency attached by ClinVar (database versions not stated): gnomAD 0.00005; gnomAD exomes 0.00012; 1000 Genomes Project 30x 0.00016; 1000 Genomes Project 0.00020; ExAC 0.00026.

Submissions (2):

Labcorp Genetics (formerly Invitae), Labcorp
Classification: Uncertain significance for Primary ciliary dyskinesia. Last evaluated: 2022-07-05. Review status: criteria provided, single submitter. Criteria: Invitae Variant Classification Sherloc (09022015). Collection method: clinical testing. Allele origin: germline.
Comment: This sequence change replaces cysteine, which is neutral and slightly polar, with arginine, which is basic and polar, at codon 1904 of the DNAH5 protein (p.Cys1904Arg). This variant is present in population databases (rs534290750, gnomAD 0.2%). This variant has not been reported in the literature in individuals affected with DNAH5-related conditions. Algorithms developed to predict the effect of missense changes on protein structure and function are either unavailable or do not agree on the potential impact of this missense change (SIFT: "Deleterious"; PolyPhen-2: "Benign"; Align-GVGD: "Class C0"). In summary, the available evidence is currently insufficient to determine the role of this variant in disease. Therefore, it has been classified as a Variant of Uncertain Significance.

PreventionGenetics, part of Exact Sciences
Classification: Likely benign for DNAH5-related condition. Last evaluated: 2023-02-03. Review status: no assertion criteria provided. Collection method: clinical testing. Allele origin: germline. Not counted in ClinVar's aggregate classification.
Comment: This variant is classified as likely benign based on ACMG/AMP sequence variant interpretation guidelines (Richards et al. 2015 PMID: 25741868, with internal and published modifications).